The following is an entry in ClinVar:

ClinVar aggregate classification (germline): Uncertain significance. Review status: criteria provided, multiple submitters, no conflicts (2 of 4 stars). 7 submissions from 7 submitters: Uncertain significance (7). Last evaluated 2026-02-11.

Conditions:
Hereditary nonpolyposis colorectal neoplasms. Identifiers: MedGen C0009405, MeSH D003123.
Hereditary cancer-predisposing syndrome. Also called: Tumor predisposition; Hereditary Cancer Syndrome; Hereditary neoplastic syndrome; Neoplastic Syndromes, Hereditary. Identifiers: Orphanet 140162, MedGen C0027672, MeSH D009386, MONDO:0015356.
Lynch syndrome. Identifiers: Orphanet 144, MedGen C4552100, MONDO:0005835. Disease mechanism: loss of function.
Lynch syndrome 5 (LYNCH5). Also called: Colorectal cancer, hereditary nonpolyposis, type 5; Hereditary non-polyposis colorectal cancer, type 5. Identifiers: Orphanet 144, MedGen C1833477, MONDO:0013710, OMIM 614350. Disease mechanism: loss of function.

gnomAD v4.1: 2 of 1,614,220 alleles (0.00012%); highest among the groups gnomAD compares: Non-Finnish European, 0.00017%; no homozygotes.

Submissions (7):

St. Jude Molecular Pathology, St. Jude Children's Research Hospital
Classification: Uncertain significance for Lynch syndrome 5. Last evaluated: 2026-02-11. Review status: criteria provided, single submitter. Criteria: St. Jude Assertion Criteria 2020. Collection method: clinical testing. Allele origin: germline.
Comment: The MSH6 c.1028C>G p.(Pro343Arg) missense change is absent in gnomAD v2.1.1. In silico tools predict a benign effect of this variant on protein function, but to our knowledge this prediction has not been confirmed by functional studies. To our knowledge, this variant has not been reported in individuals with Lynch syndrome or constitutional mismatch repair deficiency. In summary, the evidence currently available is insufficient to determine the clinical significance of this variant. It has therefore been classified as of uncertain significance.

Labcorp Genetics (formerly Invitae), Labcorp
Classification: Uncertain significance for Hereditary nonpolyposis colorectal neoplasms. Last evaluated: 2024-11-11. Review status: criteria provided, single submitter. Criteria: Invitae Variant Classification Sherloc (09022015). Collection method: clinical testing. Allele origin: germline.
Comment: This sequence change replaces proline, which is neutral and non-polar, with arginine, which is basic and polar, at codon 343 of the MSH6 protein (p.Pro343Arg). This variant is not present in population databases (gnomAD no frequency). This variant has not been reported in the literature in individuals affected with MSH6-related conditions. ClinVar contains an entry for this variant (Variation ID: 182615). Invitae Evidence Modeling of protein sequence and biophysical properties (such as structural, functional, and spatial information, amino acid conservation, physicochemical variation, residue mobility, and thermodynamic stability) indicates that this missense variant is not expected to disrupt MSH6 protein function with a negative predictive value of 95%. In summary, the available evidence is currently insufficient to determine the role of this variant in disease. Therefore, it has been classified as a Variant of Uncertain Significance.

All of Us Research Program, National Institutes of Health
Classification: Uncertain significance for Lynch syndrome. Last evaluated: 2024-07-02. Review status: criteria provided, single submitter. Criteria: ACMG Guidelines, 2015. Collection method: clinical testing. Allele origin: germline. Inheritance: Autosomal dominant inheritance. Observed: 1 variant allele, 1 heterozygote.
Comment: This missense variant replaces proline with arginine at codon 343 of the MSH6 protein. Computational prediction tools and conservation analyses are inconclusive regarding the impact of this variant on protein structure and function. Splice site prediction tools suggest that this variant may not impact RNA splicing. To our knowledge, functional studies have not been performed for this variant. This variant has not been reported in individuals affected with hereditary cancer in the literature. This variant has not been identified in the general population by the Genome Aggregation Database (gnomAD). The available evidence is insufficient to determine the role of this variant in disease conclusively. Therefore, this variant is classified as a Variant of Uncertain Significance.

This study involves interpretation of variants in research participants for the purpose of population health screening. Participant phenotype was not available at the time of variant classification. Additional details can be found in publication PMID: 35346344, PMCID: PMC8962531

Color Diagnostics, LLC DBA Color Health
Classification: Uncertain significance for Hereditary cancer-predisposing syndrome. Last evaluated: 2023-12-21. Review status: criteria provided, single submitter. Criteria: ACMG Guidelines, 2015. Collection method: clinical testing. Allele origin: germline.
Comment: This missense variant replaces proline with arginine at codon 343 of the MSH6 protein. Computational prediction is inconclusive regarding the impact of this variant on protein structure and function (internally defined REVEL score threshold 0.5 < inconclusive < 0.7, PMID: 27666373). To our knowledge, functional studies have not been reported for this variant. This variant has not been reported in individuals affected with MSH6-related disorders in the literature. This variant has not been identified in the general population by the Genome Aggregation Database (gnomAD). The available evidence is insufficient to determine the role of this variant in disease conclusively. Therefore, this variant is classified as a Variant of Uncertain Significance.

Ambry Genetics
Classification: Uncertain significance for Hereditary cancer-predisposing syndrome. Last evaluated: 2023-01-10. Review status: criteria provided, single submitter. Criteria: Ambry Variant Classification Scheme 2023. Collection method: clinical testing. Allele origin: germline.
Comment: The p.P343R variant (also known as c.1028C>G), located in coding exon 4 of the MSH6 gene, results from a C to G substitution at nucleotide position 1028. The proline at codon 343 is replaced by arginine, an amino acid with dissimilar properties. This amino acid position is well conserved in available vertebrate species. In addition, the in silico prediction for this alteration is inconclusive. Since supporting evidence is limited at this time, the clinical significance of this alteration remains unclear.

Department of Pathology and Laboratory Medicine, Sinai Health System
Classification: Uncertain significance for Lynch syndrome. Last evaluated: 2020-07-21. Review status: criteria provided, single submitter. Criteria: ACMG Guidelines, 2015. Collection method: clinical testing. Allele origin: germline. Affected: yes.

GeneDx
Classification: Uncertain significance. Last evaluated: 2014-07-30. Review status: criteria provided, single submitter. Criteria: GeneDx Variant Classification (06012015). Collection method: clinical testing. Allele origin: germline. Affected: yes.
Comment: This variant is denoted MSH6 c.1028C>G at the cDNA level, p.Pro343Arg (P343R) at the protein level, and results in the change of a Proline to an Arginine (CCT>CGT). This variant has not, to our knowledge, been published in the literature as pathogenic or benign. MSH6 Pro343Arg was not observed in approximately 6,500 individuals of European and African American ancestry in the NHLBI Exome Sequencing Project, indicating it is not a common benign variant in these populations. Since Proline and Arginine differ in polarity, charge, size or other properties, this is considered a non-conservative amino acid substitution. MSH6 Pro343Arg occurs at a position that is well conserved across species and is not located in a known functional domain. In silico analyses are inconsistent regarding the effect this variant may have on protein structure and function. Based on currently available information, it is unclear whether MSH6 Pro343Arg is pathogenic or benign. We consider it to be a variant of uncertain significance.

NM_000179.3(MSH6):c.1028C>G (p.Pro343Arg)

Gene: MSH6 (mutS homolog 6; plus strand). Cytogenetic location: 2p16.3.
Variant type: single nucleotide variant.
Coding change: c.1028C>G on transcript NM_000179.3 (MANE Select); coding-DNA position 1028, C replaced by G.
Protein change: p.Pro343Arg; replaces proline 343 with arginine.
Molecular consequence: missense variant.
Genome position (GRCh38, 1-based): chr2:47,799,011, C>G. VCF-style: chr2-47799011-C-G. GRCh37 (hg19) VCF-style: chr2-48026150-C-G.
Other names: p.P343R:CCT>CGT; c.638C>G, p.Pro213Arg (NM_001281492.2); c.122C>G, p.Pro41Arg (NM_001281493.2, NM_001281494.2); short protein forms P343R, P213R, P41R.
Identifiers: ClinVar variation 182615 (VCV000182615.24), dbSNP rs548898238, ClinGen allele CA007816.